The following is an entry in ClinVar:

NM_003803.4(MYOM1):c.1153G>T (p.Ala385Ser)

Gene: MYOM1 (myomesin 1; minus strand). Cytogenetic location: 18p11.31.
Variant type: single nucleotide variant.
Coding change: c.1153G>T on transcript NM_003803.4 (MANE Select); coding-DNA position 1153, G replaced by T.
Protein change: p.Ala385Ser; replaces alanine 385 with serine.
Molecular consequence: missense variant.
Genome position (GRCh38, 1-based): chr18:3,173,959, C>A on the plus strand (G>T on the coding strand, the complement: MYOM1 is on the minus strand). VCF-style: chr18-3173959-C-A. GRCh37 (hg19) VCF-style: chr18-3173957-C-A.
Other names: c.1153G>T, p.Ala385Ser (NM_019856.2); short protein forms A385S.
Identifiers: ClinVar variation 1734735 (VCV001734735.5), dbSNP rs781718376, ClinGen allele CA8875034.

ClinVar aggregate classification (germline): Uncertain significance. Review status: criteria provided, multiple submitters, no conflicts (2 of 4 stars). 2 submissions from 2 submitters: Uncertain significance (2). Last evaluated 2023-05-01.

Conditions:
Hypertrophic cardiomyopathy. Also called: HYPERTROPHIC MYOCARDIOPATHY. Identifiers: Orphanet 217569, MedGen C0007194, MeSH D002312, MONDO:0005045, HP:0001639.

Allele frequency attached by ClinVar (database versions not stated): gnomAD 0.00001; gnomAD exomes 0.00001; TOPMed 0.00001; ExAC 0.00002.
gnomAD v4.1: 8 of 1,613,176 alleles (0.0005%); highest among the groups gnomAD compares: East Asian, 0.018%; no homozygotes.

Submissions (2):

Labcorp Genetics (formerly Invitae), Labcorp
Classification: Uncertain significance for Hypertrophic cardiomyopathy. Last evaluated: 2023-05-01. Review status: criteria provided, single submitter. Criteria: Invitae Variant Classification Sherloc (09022015). Collection method: clinical testing. Allele origin: germline.
Comment: This sequence change replaces alanine, which is neutral and non-polar, with serine, which is neutral and polar, at codon 385 of the MYOM1 protein (p.Ala385Ser). This variant is present in population databases (rs781718376, gnomAD 0.04%). This variant has not been reported in the literature in individuals affected with MYOM1-related conditions. ClinVar contains an entry for this variant (Variation ID: 1734735). An algorithm developed to predict the effect of missense changes on protein structure and function (PolyPhen-2) suggests that this variant is likely to be tolerated. In summary, the available evidence is currently insufficient to determine the role of this variant in disease. Therefore, it has been classified as a Variant of Uncertain Significance.

Ambry Genetics
Classification: Uncertain significance. Last evaluated: 2022-05-20. Review status: criteria provided, single submitter. Criteria: Ambry Variant Classification Scheme 2023. Collection method: clinical testing. Allele origin: germline.
Comment: The p.A385S variant (also known as c.1153G>T), located in coding exon 7 of the MYOM1 gene, results from a G to T substitution at nucleotide position 1153. The alanine at codon 385 is replaced by serine, an amino acid with similar properties. This amino acid position is conserved. In addition, this alteration is predicted to be tolerated by in silico analysis. Since supporting evidence is limited at this time, the clinical significance of this alteration remains unclear.